The following is an entry in ClinVar:

NM_000051.4(ATM):c.5919-18T>C

Genes: ATM (ATM serine/threonine kinase; plus strand), C11orf65 (chromosome 11 open reading frame 65; minus strand). Cytogenetic location: 11q22.3.
Variant type: single nucleotide variant.
Coding change: c.5919-18T>C on transcript NM_000051.4 (MANE Select); 18 bases into the intron before coding-DNA position 5919, T replaced by C.
Molecular consequence: intron variant.
Genome position (GRCh38, 1-based): chr11:108,312,393, T>C. VCF-style: chr11-108312393-T-C. GRCh37 (hg19) VCF-style: chr11-108183120-T-C.
Other names: c.5919-18T>C (NM_001351834.2); c.641-3322A>G (NM_001330368.2); c.*39-3322A>G (NM_001351110.2).
Identifiers: ClinVar variation 3253945 (VCV003253945.1), dbSNP rs113087586.

ClinVar aggregate classification (germline): Likely benign (1 of 4 stars; one submission).

Conditions:
Familial cancer of breast. Also called: hereditary breast carcinoma; BREAST CANCER, FAMILIAL; Hereditary breast cancer. Identifiers: Orphanet 227535, MedGen C0346153, MONDO:0016419, OMIM 114480. Disease mechanism: loss of function.

Submission:

Myriad Genetics, Inc.
Classification: Likely benign for Familial cancer of breast. Last evaluated: 2024-05-28. Review status: criteria provided, single submitter. Criteria: Myriad Autosomal Dominant, Autosomal Recessive and X-Linked Classification Criteria (2023). Collection method: clinical testing. Allele origin: unknown.
Comment: This variant is considered likely benign. This variant is intronic and is not expected to impact mRNA splicing.